The following is an entry in ClinVar:

NM_000051.4(ATM):c.2813C>T (p.Pro938Leu)

Gene: ATM (ATM serine/threonine kinase; plus strand). Cytogenetic location: 11q22.3.
Variant type: single nucleotide variant.
Coding change: c.2813C>T on transcript NM_000051.4 (MANE Select); coding-DNA position 2813, C replaced by T.
Protein change: p.Pro938Leu; replaces proline 938 with leucine.
Molecular consequence: missense variant.
Genome position (GRCh38, 1-based): chr11:108,268,584, C>T. VCF-style: chr11-108268584-C-T. GRCh37 (hg19) VCF-style: chr11-108139311-C-T.
Other names: NP_000042.3:p.Pro938Leu; c.2813C>T, p.Pro938Leu (NM_001351834.2); short protein forms P938L.
Identifiers: ClinVar variation 863353 (VCV000863353.10), dbSNP rs1183804155, ClinGen allele CA382545741.

ClinVar aggregate classification (germline): Conflicting classifications of pathogenicity. Review status: criteria provided, conflicting classifications (1 of 4 stars). 4 submissions from 4 submitters: Uncertain significance (1); Likely benign (2). 1 of the submissions does not count toward it. Last evaluated 2024-05-05.

Conditions:
Ataxia-telangiectasia syndrome (AT). Also called: LOUIS-BAR SYNDROME; Ataxia telangiectasia (A-T); Ataxia-telangiectasia, complementation group D; Cerebello-oculocutaneous telangiectasia; Immunodeficiency with ataxia telangiectasia; Ataxia-telangiectasia. Identifiers: Orphanet 100, MedGen C0004135, MONDO:0008840, OMIM 208900.
Hereditary cancer-predisposing syndrome. Also called: Tumor predisposition; Hereditary Cancer Syndrome; Neoplastic Syndromes, Hereditary; Hereditary neoplastic syndrome. Identifiers: Orphanet 140162, MedGen C0027672, MeSH D009386, MONDO:0015356.
Hereditary breast ovarian cancer syndrome. Also called: BRCA1- and BRCA2-Associated Hereditary Breast and Ovarian Cancer; Hereditary breast and ovarian cancer; Hereditary breast and ovarian cancer syndrome (HBOC); Hereditary breast and ovarian cancer syndrome; Breast and ovarian cancer; Hereditary breast and/or ovarian cancer syndrome. Identifiers: Orphanet 145, MedGen C0677776, MeSH D061325, MONDO:0003582. Disease mechanism: loss of function.

Allele frequency attached by ClinVar (database versions not stated): gnomAD exomes below 0.00001; TOPMed 0.00002.
gnomAD v4.1: 4 of 1,613,992 alleles (0.00025%); highest among the groups gnomAD compares: African/African-American, 0.0053%; no homozygotes.

Submissions (4):

Ambry Genetics
Classification: Likely benign for Hereditary cancer-predisposing syndrome. Last evaluated: 2024-05-05. Review status: criteria provided, single submitter. Criteria: Ambry Variant Classification Scheme 2023. Collection method: clinical testing. Allele origin: germline.

Labcorp Genetics (formerly Invitae), Labcorp
Classification: Uncertain significance for Ataxia-telangiectasia syndrome. Last evaluated: 2022-10-08. Review status: criteria provided, single submitter. Criteria: Invitae Variant Classification Sherloc (09022015). Collection method: clinical testing. Allele origin: germline.
Comment: This sequence change replaces proline, which is neutral and non-polar, with leucine, which is neutral and non-polar, at codon 938 of the ATM protein (p.Pro938Leu). This variant is not present in population databases (gnomAD no frequency). This variant has not been reported in the literature in individuals affected with ATM-related conditions. ClinVar contains an entry for this variant (Variation ID: 863353). Algorithms developed to predict the effect of missense changes on protein structure and function output the following: SIFT: "Tolerated"; PolyPhen-2: "Benign"; Align-GVGD: "Class C0". The leucine amino acid residue is found in multiple mammalian species, which suggests that this missense change does not adversely affect protein function. In summary, the available evidence is currently insufficient to determine the role of this variant in disease. Therefore, it has been classified as a Variant of Uncertain Significance.

National Health Laboratory Service, Universitas Academic Hospital and University of the Free State
Classification: Likely benign for Hereditary breast ovarian cancer syndrome. Last evaluated: 2022-04-19. Review status: criteria provided, single submitter. Criteria: ACMG Guidelines, 2015. Collection method: clinical testing. Allele origin: germline. Affected: yes. Observed: 3 variant alleles.

Natera, Inc.
Classification: Uncertain significance for Ataxia-telangiectasia. Last evaluated: 2025-04-11. Review status: no assertion criteria provided. Collection method: clinical testing. Allele origin: germline. Not counted in ClinVar's aggregate classification.